The following is an entry in ClinVar:

ClinVar aggregate classification (germline): Uncertain significance (1 of 4 stars; one submission).

Conditions:
Cerebral cavernous malformations 5. Identifiers: MedGen C5975541, MONDO:0975952, OMIM 621032.

gnomAD v4.1: 19 of 1,613,884 alleles (0.0012%); highest among the groups gnomAD compares: Admixed American, 0.0017%; no homozygotes.

Submission:

Clinical Genomics Laboratory, Washington University in St. Louis
Classification: Uncertain significance for Cerebral cavernous malformations 5. Last evaluated: 2024-11-26. Review status: criteria provided, single submitter. Criteria: ACMG Guidelines, 2015. Collection method: clinical testing. Allele origin: germline.
Comment: A MAP3K3 c.937C>T (p.Arg313Cys) variant was identified at a near heterozygous allelic fraction of 47.3%, a frequency that may be consistent with germline origin. To our knowledge, it has not been reported in the medical literature. The MAP3K3 c.937C>T (p.Arg313Cys) variant is only observed on 19/1,613,884 alleles in the general population (gnomAD v.4.1.0), indicating it is not a common variant. Computational predictors are uncertain as to the impact of this variant on MAP3K3 function. Due to limited information, and based on ACMG/AMP guidelines for variant interpretation (Richards S et al., PMID: 25741868), the clinical significance of MAP3K3 c.937C>T (p.Arg313Cys) variant is uncertain at this time.

NM_002401.5(MAP3K3):c.937C>T (p.Arg313Cys)

Gene: MAP3K3 (mitogen-activated protein kinase kinase kinase 3; plus strand). Cytogenetic location: 17q23.3.
Variant type: single nucleotide variant.
Coding change: c.937C>T on transcript NM_002401.5 (MANE Select); coding-DNA position 937, C replaced by T.
Protein change: p.Arg313Cys; replaces arginine 313 with cysteine.
Molecular consequence: missense variant.
Genome position (GRCh38, 1-based): chr17:63,689,609, C>T. VCF-style: chr17-63689609-C-T. GRCh37 (hg19) VCF-style: chr17-61766969-C-T.
Other names: c.925C>T, p.Arg309Cys (NM_001330431.2); c.1018C>T, p.Arg340Cys (NM_001363768.2); c.1030C>T, p.Arg344Cys (NM_203351.3); short protein forms R309C, R313C, R340C, R344C.
Identifiers: ClinVar variation 3600453 (VCV003600453.1).
Genomic context (GRCh38, chr17:63,689,609, plus strand): 5'-AGAACATTTCCCCGAATACGGCGTCATCAAGGCAACTTGTTCACCCTGGTGCCCTCCAGC[C>T]GCTCCCTGAGCACAAATGGCGAGAACATGGGTCTGGCTGTGCAATACCTGGACCCCCGTG-3'
Protein context (NP_002392.2, residues 303-323): GNLFTLVPSS[Arg313Cys]SLSTNGENMG